The following is an entry in ClinVar:

NM_000350.3(ABCA4):c.6581del (p.Pro2194fs)

Gene: ABCA4 (ATP binding cassette subfamily A member 4; minus strand). Cytogenetic location: 1p22.1.
Variant type: Deletion.
Coding change: c.6581del on transcript NM_000350.3 (MANE Select); coding-DNA position 6581, one base deleted (C; older notation c.6581delC).
Protein change: p.Pro2194fs; shifts the reading frame from proline 2194.
Molecular consequence: frameshift variant.
Genome position (GRCh38, 1-based): chr1:93,998,009, G deleted on the plus strand (C on the coding strand, the reverse complement: ABCA4 is on the minus strand); the first of 3 consecutive G bases (chr1:93,998,009-93,998,011); deleting any one gives the same sequence. VCF-style (leftmost placement, unchanged base first): chr1-93998008-TG-T. GRCh37 (hg19) VCF-style: chr1-94463564-TG-T.
Other names: c.6357delC, p.Pro2120Glnfs (NM_001425324.1); short protein forms P2194fs.
Identifiers: ClinVar variation 2008709 (VCV002008709.4), dbSNP rs2523615188, ClinGen allele CA2580063329.

ClinVar aggregate classification (germline): Pathogenic (1 of 4 stars; one submission).

Submission:

Labcorp Genetics (formerly Invitae), Labcorp
Classification: Pathogenic. Last evaluated: 2022-09-26. Review status: criteria provided, single submitter. Criteria: Invitae Variant Classification Sherloc (09022015). Collection method: clinical testing. Allele origin: germline.
Comment: This sequence change creates a premature translational stop signal (p.Pro2194Glnfs*53) in the ABCA4 gene. It is expected to result in an absent or disrupted protein product. Loss-of-function variants in ABCA4 are known to be pathogenic (PMID: 10958761, 24938718, 25312043, 26780318). This variant is not present in population databases (gnomAD no frequency). This variant has not been reported in the literature in individuals affected with ABCA4-related conditions. For these reasons, this variant has been classified as Pathogenic.

Literature cited by the submitters: PubMed 10958761; PubMed 24938718; PubMed 25312043; PubMed 26780318.